The following is an entry in ClinVar:

NM_030653.4(DDX11):c.2377G>C (p.Val793Leu)

Gene: DDX11 (DEAD/H-box helicase 11; plus strand). Cytogenetic location: 12p11.21.
Variant type: single nucleotide variant.
Coding change: c.2377G>C on transcript NM_030653.4 (MANE Select); coding-DNA position 2377, G replaced by C.
Protein change: p.Val793Leu; replaces valine 793 with leucine.
Molecular consequence: missense variant. On other transcripts: non-coding transcript variant (4).
Genome position (GRCh38, 1-based): chr12:31,102,940, G>C. VCF-style: chr12-31102940-G-C. GRCh37 (hg19) VCF-style: chr12-31255874-G-C.
Other names: c.2377G>C, p.Val793Leu (NM_001257144.2, NM_001413692.1, NM_001413693.1 and 4 more transcripts); c.2299G>C, p.Val767Leu (NM_001257145.2, NM_001413697.1, NM_001413698.1 and 1 more transcripts); c.2290G>C, p.Val764Leu (NM_001413700.1); c.1849G>C, p.Val617Leu (NM_001413702.1, NM_001413703.1); c.1516G>C, p.Val506Leu (NM_001413704.1, NM_001413705.1); c.1411G>C, p.Val471Leu (NM_001413706.1); c.2227G>C, p.Val743Leu (NM_004399.3); short protein forms V743L, V767L, V471L, V506L, V764L, V617L, V793L.
Identifiers: ClinVar variation 5005091 (VCV005005091.2).

ClinVar aggregate classification (germline): Uncertain significance (1 of 4 stars; one submission).

Conditions:
Warsaw breakage syndrome (WABS). Also called: DDX11-Related Cohesinopathy. Identifiers: Orphanet 280558, MedGen C3150658, MONDO:0013252, OMIM 613398.

Submission:

Juno Genomics, Hangzhou Juno Genomics, Inc
Classification: Uncertain significance for Warsaw breakage syndrome. Review status: criteria provided, single submitter. Criteria: ACMG Guidelines, 2015. Collection method: clinical testing. Allele origin: germline.
Comment: Absent from controls (or at extremely low frequency if recessive) in Genome Aggregation Database.;Multiple lines of computational evidence support a deleterious effect on the gene or gene product.